The following is an entry in ClinVar:

ClinVar aggregate classification (germline): Benign/Likely benign. Review status: criteria provided, multiple submitters, no conflicts (2 of 4 stars). 4 submissions from 4 submitters: Benign (1); Likely benign (2). 1 of the submissions does not count toward it. Last evaluated 2026-02-02.

Conditions:
Polyglandular autoimmune syndrome, type 1 (APS1). Also called: AUTOIMMUNE POLYENDOCRINE SYNDROME, TYPE I, WITH OR WITHOUT REVERSIBLE METAPHYSEAL DYSPLASIA; PGA I; Autoimmune polyendocrinopathy syndrome , type I, with or without reversible metaphyseal dysplasia; APS I; Autoimmune polyendocrine syndrome type 1; Whitaker syndrome. Identifiers: Orphanet 3453, MedGen C0085859, MONDO:0009411, OMIM 240300.

Allele frequency attached by ClinVar (database versions not stated): ESP Exome Variant Server 0.00008; gnomAD 0.00035 and 0.00041; TOPMed 0.00056; gnomAD exomes 0.00079; ExAC 0.00091; 1000 Genomes Project 30x 0.00094; 1000 Genomes Project 0.00120.
gnomAD v4.1: 388 of 1,557,620 alleles (0.025%); highest among the groups gnomAD compares: East Asian, 0.57%; 2 homozygotes.

Submissions (4):

Labcorp Genetics (formerly Invitae), Labcorp
Classification: Benign for Polyglandular autoimmune syndrome, type 1. Last evaluated: 2026-02-02. Review status: criteria provided, single submitter. Criteria: Invitae Variant Classification Sherloc (09022015). Collection method: clinical testing. Allele origin: germline.

Blueprint Genetics
Classification: Likely benign. Last evaluated: 2024-07-23. Review status: criteria provided, single submitter. Criteria: ACMG Guidelines, 2015. Collection method: clinical testing. Allele origin: germline.

Women's Health and Genetics/Laboratory Corporation of America, LabCorp
Classification: Likely benign. Last evaluated: 2023-08-16. Review status: criteria provided, single submitter. Criteria: LabCorp Variant Classification Summary - May 2015. Collection method: clinical testing. Allele origin: germline.
Comment: Variant summary: AIRE c.521G>A (p.Arg174His) results in a non-conservative amino acid change in the encoded protein sequence. Four of five in-silico tools predict a benign effect of the variant on protein function. The variant allele was found at a frequency of 0.00079 in 162342 control chromosomes, predominantly at a frequency of 0.0085 within the East Asian subpopulation in the gnomAD database, including 3 homozygotes. The observed variant frequency within East Asian control individuals in the gnomAD database is approximately 3-fold of the estimated maximal expected allele frequency for a pathogenic variant in AIRE causing Autoimmune Polyglandular Syndrome Type 1 phenotype (0.0028), strongly suggesting that the variant is a benign polymorphism found primarily in populations of East Asian origin. To our knowledge, no occurrence of c.521G>A in individuals affected with Autoimmune Polyglandular Syndrome Type 1 and no experimental evidence demonstrating its impact on protein function have been reported. Two submitters have cited clinical-significance assessments for this variant to ClinVar after 2014. Both submitters classified the variant as benign. Based on the evidence outlined above, the variant was classified as likely benign.

Natera, Inc.
Classification: Benign for Polyglandular autoimmune syndrome type 1. Last evaluated: 2020-04-20. Review status: no assertion criteria provided. Collection method: clinical testing. Allele origin: germline. Not counted in ClinVar's aggregate classification.

NM_000383.4(AIRE):c.521G>A (p.Arg174His)

Gene: AIRE (autoimmune regulator; plus strand). Cytogenetic location: 21q22.3.
Variant type: single nucleotide variant.
Coding change: c.521G>A on transcript NM_000383.4 (MANE Select); coding-DNA position 521, G replaced by A.
Protein change: p.Arg174His; replaces arginine 174 with histidine.
Molecular consequence: missense variant.
Genome position (GRCh38, 1-based): chr21:44,287,574, G>A. VCF-style: chr21-44287574-G-A. GRCh37 (hg19) VCF-style: chr21-45707457-G-A.
Other names: short protein forms R174H.
Identifiers: ClinVar variation 733057 (VCV000733057.13), dbSNP rs145732243, ClinGen allele CA10051593.